The following is an entry in ClinVar:

NM_001128425.2(MUTYH):c.28C>T (p.Arg10Cys)

Genes: TOE1 (target of EGR1, exonuclease; plus strand), MUTYH (mutY DNA glycosylase; minus strand). Cytogenetic location: 1p34.1.
Variant type: single nucleotide variant.
Coding change: c.28C>T on transcript NM_001128425.2 (MANE Plus Clinical); coding-DNA position 28, C replaced by T.
Protein change: p.Arg10Cys; replaces arginine 10 with cysteine.
Molecular consequence: missense variant. On other transcripts: 5 prime UTR variant (8), non-coding transcript variant (3).
Genome position (GRCh38, 1-based): chr1:45,340,227, G>A on the plus strand (C>T on the coding strand, the complement: MUTYH is on the minus strand). VCF-style: chr1-45340227-G-A. GRCh37 (hg19) VCF-style: chr1-45805899-G-A.
Other names: c.-26G>A (NM_025077.4); c.-15C>T (NM_001048171.2); c.28C>T, p.Arg10Cys (NM_001293190.2, NM_001407069.1, NM_001407073.1 and 1 more transcripts); c.-227C>T (NM_001293192.2); c.-286C>T (NM_001350650.2); c.-222C>T (NM_001350651.2); c.-31C>T (NM_001407070.1, NM_001407071.1); c.-11C>T (NM_001407072.1); short protein forms R10C.
Identifiers: ClinVar variation 926570 (VCV000926570.8), dbSNP rs1570591700, ClinGen allele CA340137847.
Genomic context (GRCh38, chr1:45,340,227, plus strand): 5'-CATCCCCGACTGCCTGAACCGCGCCAGGAGACGGACCGCAAGTCCAGCGTACCCACAGAC[G>A]ACTCAGGCGGGAGACGAGCGGTGTCATGGCCGCCGACAGTGACGATGGCGCAGTTTCAGC-3'
Protein context (NP_001121897.1, residues 1-20): MTPLVSRLS[Arg10Cys]LWAIMRKPRA

ClinVar aggregate classification (germline): Uncertain significance. Review status: criteria provided, multiple submitters, no conflicts (2 of 4 stars). 2 submissions from 2 submitters: Uncertain significance (2). Last evaluated 2025-08-27.

Conditions:
Hereditary cancer-predisposing syndrome. Also called: Tumor predisposition; Neoplastic Syndromes, Hereditary; Hereditary neoplastic syndrome; Hereditary Cancer Syndrome. Identifiers: Orphanet 140162, MedGen C0027672, MeSH D009386, MONDO:0015356.

Submissions (2):

Ambry Genetics
Classification: Uncertain significance for Hereditary cancer-predisposing syndrome. Last evaluated: 2025-08-27. Review status: criteria provided, single submitter. Criteria: Ambry Variant Classification Scheme 2023. Collection method: clinical testing. Allele origin: germline.
Comment: The p.R10C variant (also known as c.28C>T), located in coding exon 1 of the MUTYH gene, results from a C to T substitution at nucleotide position 28. The arginine at codon 10 is replaced by cysteine, an amino acid with highly dissimilar properties. This amino acid position is conserved. In addition, this alteration is predicted to be tolerated by in silico analysis. Based on the available evidence, the clinical significance of this variant remains unclear.

Color Diagnostics, LLC DBA Color Health
Classification: Uncertain significance for Hereditary cancer-predisposing syndrome. Last evaluated: 2023-12-05. Review status: criteria provided, single submitter. Criteria: ACMG Guidelines, 2015. Collection method: clinical testing. Allele origin: germline.
Comment: This missense variant replaces arginine with cysteine at codon 10 of the MUTYH protein. Computational prediction suggests that this variant may not impact protein structure and function (internally defined REVEL score threshold <= 0.5, PMID: 27666373). To our knowledge, functional studies have not been reported for this variant. This variant has not been reported in individuals affected with MUTYH-related disorders in the literature. This variant has not been identified in the general population by the Genome Aggregation Database (gnomAD). The available evidence is insufficient to determine the role of this variant in disease conclusively. Therefore, this variant is classified as a Variant of Uncertain Significance.